The following is an entry in ClinVar:

ClinVar aggregate classification (germline): Likely pathogenic (1 of 4 stars; one submission).

Conditions:
Obesity due to pro-opiomelanocortin deficiency. Also called: Obesity, adrenal insufficiency, and red hair due to POMC deficiency; OBESITY, EARLY-ONSET, WITH ADRENAL INSUFFICIENCY AND RED HAIR; PROOPIOMELANOCORTIN DEFICIENCY. Identifiers: Orphanet 71526, MedGen C1857854, MONDO:0012335, OMIM 609734.

gnomAD v4.1: 1 of 1,557,580 alleles (0.000064%); no homozygotes.

Submission:

3billion
Classification: Likely pathogenic for Obesity due to pro-opiomelanocortin deficiency. Last evaluated: 2025-06-17. Review status: criteria provided, single submitter. Criteria: ACMG Guidelines, 2015. Collection method: clinical testing. Allele origin: germline. Affected: yes.
Comment: The variant is observed at an extremely low frequency in the gnomAD v4.1.0 dataset (total allele frequency: <0.001%). Predicted Consequence/Location: Stop-gained (nonsense): predicted to result in a loss or disruption of normal protein function through protein truncation. The predicted truncated protein may be shortened by more than 10%. The variant has been reported to be associated with POMC-related disorder (PMID: 21860632). Therefore, this variant is classified as Likely pathogenic according to the recommendation of ACMG/AMP guideline.

Literature cited by the submitters: PubMed 21860632.

NM_000939.4(POMC):c.231C>A (p.Tyr77Ter)

Gene: POMC (proopiomelanocortin; minus strand). Cytogenetic location: 2p23.3.
Variant type: single nucleotide variant.
Coding change: c.231C>A on transcript NM_000939.4 (MANE Select); coding-DNA position 231, C replaced by A.
Protein change: p.Tyr77Ter; replaces tyrosine 77 with a stop codon.
Molecular consequence: nonsense.
Genome position (GRCh38, 1-based): chr2:25,161,654, G>T on the plus strand (C>A on the coding strand, the complement: POMC is on the minus strand). VCF-style: chr2-25161654-G-T. GRCh37 (hg19) VCF-style: chr2-25384523-G-T.
Other names: c.231C>A, p.Tyr77Ter (NM_001035256.3, NM_001319204.2, NM_001319205.2); short protein forms Y77*.
Identifiers: ClinVar variation 4854511 (VCV004854511.1).